The following is an entry in ClinVar:

ClinVar aggregate classification (germline): Pathogenic (0 of 4 stars; one submission).

Conditions:
Muscular dystrophy, limb-girdle, autosomal recessive 23. Identifiers: Orphanet 565837, MedGen C4748327, MONDO:0029136, OMIM 618138.

Submission:

Department of Rehabilitation, Anhui Provincial Children's Hospital
Classification: Pathogenic for Muscular dystrophy, limb-girdle, autosomal recessive 23. Last evaluated: 2023-02-07. Review status: no assertion criteria provided. Collection method: clinical testing. Allele origin: maternal. Affected: yes.
Comment: The c.2844T>A variant in the LAMA2 gene is a nonsense mutation that may result in premature termination of polypeptide synthesis, potentially disrupting gene function.

NM_000426.4(LAMA2):c.2844T>A (p.Cys948Ter)

Gene: LAMA2 (laminin subunit alpha 2; plus strand). Cytogenetic location: 6q22.33.
Variant type: single nucleotide variant.
Coding change: c.2844T>A on transcript NM_000426.4 (MANE Select); coding-DNA position 2844, T replaced by A.
Protein change: p.Cys948Ter; replaces cysteine 948 with a stop codon.
Molecular consequence: nonsense.
Genome position (GRCh38, 1-based): chr6:129,291,708, T>A. VCF-style: chr6-129291708-T-A. GRCh37 (hg19) VCF-style: chr6-129612853-T-A.
Other names: c.2844T>A, p.Cys948Ter (NM_001079823.2); short protein forms C948*.
Identifiers: ClinVar variation 3900668 (VCV003900668.1).
Genomic context (GRCh38, chr6:129,291,708, plus strand): 5'-GGTTTGCCACAGTCAAACTGGACAGTGTGAGTGCAGAGCCAACGTTCAGGGTCAGAGATG[T>A]GACAAATGCAAGGTAAGGAGTAGAGGCTGACCCATAAATTACTTTCTCCTTACAGATTTT-3'